The following is an entry in ClinVar:

NM_001368397.1(FRMPD4):c.4486T>C (p.Trp1496Arg)

Gene: FRMPD4 (FERM and PDZ domain containing 4; plus strand). Cytogenetic location: Xp22.2.
Variant type: single nucleotide variant.
Coding change: c.4486T>C on transcript NM_001368397.1 (MANE Select); coding-DNA position 4486, T replaced by C.
Protein change: p.Trp1496Arg; replaces tryptophan 1496 with arginine.
Molecular consequence: missense variant. On other transcripts: 3 prime UTR variant (6).
Genome position (GRCh38, 1-based): chrX:12,721,055, T>C. VCF-style: chrX-12721055-T-C. GRCh37 (hg19) VCF-style: chrX-12739174-T-C.
Other names: c.4492T>C, p.Trp1498Arg (NM_001368396.3); c.*522T>C (NM_001368398.3, NM_001368399.3, NM_001368400.3 and 3 more transcripts); c.4597T>C, p.Trp1533Arg (NM_001368395.3); short protein forms W1496R, W1498R, W1533R.
Identifiers: ClinVar variation 3778251 (VCV003778251.7).

ClinVar aggregate classification (germline): Likely benign (1 of 4 stars; one submission).

gnomAD v4.1: 51 of 753,774 alleles (0.0068%); highest among the groups gnomAD compares: Non-Finnish European, 0.008%; no homozygotes.

Submission:

CeGaT Center for Human Genetics Tuebingen
Classification: Likely benign. Last evaluated: 2025-03-01. Review status: criteria provided, single submitter. Criteria: CeGaT Center For Human Genetics Tuebingen Variant Classification Criteria Version 2. Collection method: clinical testing. Allele origin: germline. Affected: yes. Observed: 1 variant allele.
Comment: FRMPD4: BS2